The following is an entry in ClinVar:

NM_004304.5(ALK):c.4223A>G (p.Glu1408Gly)

Gene: ALK (ALK receptor tyrosine kinase; minus strand). Cytogenetic location: 2p23.2.
Variant type: single nucleotide variant.
Coding change: c.4223A>G on transcript NM_004304.5 (MANE Select); coding-DNA position 4223, A replaced by G.
Protein change: p.Glu1408Gly; replaces glutamic acid 1408 with glycine.
Molecular consequence: missense variant.
Genome position (GRCh38, 1-based): chr2:29,193,864, T>C on the plus strand (A>G on the coding strand, the complement: ALK is on the minus strand). VCF-style: chr2-29193864-T-C. GRCh37 (hg19) VCF-style: chr2-29416730-T-C.
Other names: c.4223A>G (NM_004304.4); c.1019A>G, p.Glu340Gly (NM_001353765.2); short protein forms E1408G, E340G.
Identifiers: ClinVar variation 1445436 (VCV001445436.9), dbSNP rs2148139005, ClinGen allele CA346463228.

ClinVar aggregate classification (germline): Uncertain significance. Review status: criteria provided, multiple submitters, no conflicts (2 of 4 stars). 2 submissions from 2 submitters: Uncertain significance (2). Last evaluated 2024-12-13.

Conditions:
Neuroblastoma, susceptibility to, 3. Also called: ALK-Related Neuroblastic Tumor Susceptibility. Identifiers: Orphanet 635, MedGen C2751681, MONDO:0013083, OMIM 613014.
Hereditary cancer-predisposing syndrome. Also called: Tumor predisposition; Hereditary neoplastic syndrome; Hereditary Cancer Syndrome; Neoplastic Syndromes, Hereditary. Identifiers: Orphanet 140162, MedGen C0027672, MeSH D009386, MONDO:0015356.

Submissions (2):

Ambry Genetics
Classification: Uncertain significance for Hereditary cancer-predisposing syndrome. Last evaluated: 2024-12-13. Review status: criteria provided, single submitter. Criteria: Ambry Variant Classification Scheme 2023. Collection method: clinical testing. Allele origin: germline.
Comment: The p.E1408G variant (also known as c.4223A>G), located in coding exon 29 of the ALK gene, results from an A to G substitution at nucleotide position 4223. The glutamic acid at codon 1408 is replaced by glycine, an amino acid with similar properties. This amino acid position is conserved. In addition, the in silico prediction for this alteration is inconclusive. Based on the available evidence, the clinical significance of this variant remains unclear.

Labcorp Genetics (formerly Invitae), Labcorp
Classification: Uncertain significance for Neuroblastoma, susceptibility to, 3. Last evaluated: 2022-04-05. Review status: criteria provided, single submitter. Criteria: Invitae Variant Classification Sherloc (09022015). Collection method: clinical testing. Allele origin: germline.
Comment: This sequence change replaces glutamic acid, which is acidic and polar, with glycine, which is neutral and non-polar, at codon 1408 of the ALK protein (p.Glu1408Gly). This variant is not present in population databases (gnomAD no frequency). This variant has not been reported in the literature in individuals affected with ALK-related conditions. Algorithms developed to predict the effect of missense changes on protein structure and function are either unavailable or do not agree on the potential impact of this missense change (SIFT: "Deleterious"; PolyPhen-2: "Benign"; Align-GVGD: "Class C0"). Algorithms developed to predict the effect of sequence changes on RNA splicing suggest that this variant may create or strengthen a splice site. In summary, the available evidence is currently insufficient to determine the role of this variant in disease. Therefore, it has been classified as a Variant of Uncertain Significance.